The following is an entry in ClinVar:

ClinVar aggregate classification (germline): Likely pathogenic. Review status: criteria provided, single submitter (1 of 4 stars). 2 submissions from 2 submitters: Likely pathogenic (1). 1 of the submissions does not count toward it. Last evaluated 2025-10-28.

Conditions:
POU4F1-related disorder. Also called: POU4F1-related condition.
Ataxia, intention tremor, and hypotonia syndrome, childhood-onset. Identifiers: MedGen C5543478, MONDO:0859158, OMIM 619352.

Submissions (2):

PreventionGenetics, part of Exact Sciences
Classification: Likely pathogenic for POU4F1-related condition. Last evaluated: 2025-10-28. Review status: criteria provided, single submitter. Criteria: ACMG Guidelines, 2015. Collection method: clinical testing. Allele origin: germline.
Comment: The POU4F1 c.283_290del8 variant is predicted to result in a frameshift and premature protein termination (p.Thr95Serfs*251). This variant has been reported as arising de novo in an individual with ataxia, intention tremor, and hypotonia (Webb et al. 2021. PubMed ID: 337839140). This variant has also been reported as de novo in large cohort studies of developmental disorders (Supplemental, Kaplanis et al. 2020. PubMed ID: 33057194; Supplemental, Zhou et al. 2022. PubMed ID: 35982159). This variant is absent in a large population database (gnomAD), indicating this variant is rare. Predicted loss of function variants, such as this frameshift variant, in POU4F1 are a moderately established mechanism of disease (Webb et al. 2021. PubMed ID: 337839140; Hu et al. 2025. doi: 10.3389/fgene.2025.1702803). This variant is interpreted as likely pathogenic.

OMIM
Classification: Pathogenic for ATAXIA, INTENTION TREMOR, AND HYPOTONIA SYNDROME, CHILDHOOD-ONSET. Last evaluated: 2021-06-08. Review status: no assertion criteria provided. Collection method: literature only. Allele origin: germline. Not counted in ClinVar's aggregate classification.

Literature cited by the submitters: PubMed 33783914 (cited by OMIM).

NM_006237.4(POU4F1):c.283_290del (p.Thr95fs)

Genes: OBI1-AS1 (OBI1 antisense RNA 1; plus strand), POU4F1 (POU class 4 homeobox 1; minus strand). Cytogenetic location: 13q31.1.
Variant type: Deletion.
Coding change: c.283_290del on transcript NM_006237.4 (MANE Select); coding-DNA positions 283 to 290, 8 bases deleted (ACGGTGCC; older notation c.283_290delACGGTGCC).
Protein change: p.Thr95fs; shifts the reading frame from threonine 95.
Molecular consequence: frameshift variant.
Genome position (GRCh38, 1-based): chr13:78,602,385-78,602,392, GGCACCGT deleted on the plus strand (ACGGTGCC on the coding strand, the reverse complement: POU4F1 is on the minus strand); deleting any 8 consecutive bases within chr13:78,602,385-78,602,394 gives the same sequence; the c. name uses the placement nearest the transcript's 3' end. VCF-style (leftmost placement, unchanged base first): chr13-78602384-AGGCACCGT-A. GRCh37 (hg19) VCF-style: chr13-79176519-AGGCACCGT-A.
Other names: c.283_290del8 (NM_006237.3); short protein forms T95fs.
Identifiers: ClinVar variation 1162302 (VCV001162302.2), dbSNP rs2137404831, ClinGen allele CA2499222514.